The following is an entry in ClinVar:

ClinVar aggregate classification (germline): Uncertain significance (1 of 4 stars; one submission).

Conditions:
Atrioventricular septal defect 4 (AVSD4). Identifiers: MedGen C3280781, MONDO:0013747, OMIM 614430.

gnomAD v4.1: 2 of 1,614,202 alleles (0.00012%); highest among the groups gnomAD compares: Admixed American, 0.0033%; no homozygotes.

Submission:

Labcorp Genetics (formerly Invitae), Labcorp
Classification: Uncertain significance for Atrioventricular septal defect 4. Last evaluated: 2024-04-06. Review status: criteria provided, single submitter. Criteria: Invitae Variant Classification Sherloc (09022015). Collection method: clinical testing. Allele origin: germline.
Comment: This sequence change falls in intron 2 of the GATA4 gene. It does not directly change the encoded amino acid sequence of the GATA4 protein. It affects a nucleotide within the consensus splice site. This variant is present in population databases (no rsID available, gnomAD no frequency), including at least one homozygous and/or hemizygous individual. This variant has not been reported in the literature in individuals affected with GATA4-related conditions. Variants that disrupt the consensus splice site are a relatively common cause of aberrant splicing (PMID: 17576681, 9536098). Algorithms developed to predict the effect of sequence changes on RNA splicing suggest that this variant may disrupt the consensus splice site. In summary, the available evidence is currently insufficient to determine the role of this variant in disease. Therefore, it has been classified as a Variant of Uncertain Significance.

Literature cited by the submitters: PubMed 17576681; PubMed 9536098.

NM_001308093.3(GATA4):c.617T>G (p.Val206Gly)

Gene: GATA4 (GATA binding protein 4). Cytogenetic location: 8p23.1.
Variant type: single nucleotide variant.
Coding change: c.617T>G on transcript NM_001308093.3 (MANE Select); coding-DNA position 617, T replaced by G.
Protein change: p.Val206Gly; replaces valine 206 with glycine.
Molecular consequence: missense variant. On other transcripts: 5 prime UTR variant (1), intron variant (3).
Genome position (GRCh38, 1-based): chr8:11,748,916, T>G. VCF-style: chr8-11748916-T-G. GRCh37 (hg19) VCF-style: chr8-11606425-T-G.
Other names: c.-5T>G (NM_001308094.2); c.617-3T>G (NM_002052.5); c.-2-3T>G (NM_001374274.1, NM_001374273.1); short protein forms V206G.
Identifiers: ClinVar variation 3669340 (VCV003669340.2).